The following is an entry in ClinVar:

ClinVar aggregate classification (germline): Likely benign. Review status: criteria provided, multiple submitters, no conflicts (2 of 4 stars). 3 submissions from 3 submitters: Likely benign (3). Last evaluated 2025-11-03.

Conditions:
Inborn genetic diseases. Identifiers: MedGen C0950123, MeSH D030342.

Allele frequency attached by ClinVar (database versions not stated): ExAC 0.00001; gnomAD exomes 0.00001; TOPMed 0.00001; ESP Exome Variant Server 0.00008.
gnomAD v4.1: 8 of 1,608,006 alleles (0.0005%); highest among the groups gnomAD compares: Non-Finnish European, 0.00068%; no homozygotes.

Submissions (3):

Labcorp Genetics (formerly Invitae), Labcorp
Classification: Likely benign. Last evaluated: 2025-11-03. Review status: criteria provided, single submitter. Criteria: Invitae Variant Classification Sherloc (09022015). Collection method: clinical testing. Allele origin: germline.

CeGaT Center for Human Genetics Tuebingen
Classification: Likely benign. Last evaluated: 2025-04-01. Review status: criteria provided, single submitter. Criteria: CeGaT Center For Human Genetics Tuebingen Variant Classification Criteria Version 2. Collection method: clinical testing. Allele origin: germline. Affected: yes. Observed: 1 variant allele.
Comment: ATR: BP4, BP7

Ambry Genetics
Classification: Likely benign for Inborn genetic diseases. Last evaluated: 2022-04-19. Review status: criteria provided, single submitter. Criteria: Ambry Variant Classification Scheme 2023. Collection method: clinical testing. Allele origin: germline.

NM_001184.4(ATR):c.567A>G (p.Leu189=)

Gene: ATR (ATR checkpoint kinase; minus strand). Cytogenetic location: 3q23.
Variant type: single nucleotide variant.
Coding change: c.567A>G on transcript NM_001184.4 (MANE Select); coding-DNA position 567, A replaced by G.
Protein change: p.Leu189=; no amino-acid change (leucine 189 retained).
Molecular consequence: synonymous variant.
Genome position (GRCh38, 1-based): chr3:142,562,835, T>C on the plus strand (A>G on the coding strand, the complement: ATR is on the minus strand). VCF-style: chr3-142562835-T-C. GRCh37 (hg19) VCF-style: chr3-142281677-T-C.
Other names: c.567A>G, p.Leu189= (NM_001354579.2).
Identifiers: ClinVar variation 1749003 (VCV001749003.12), dbSNP rs370714432, ClinGen allele CA2650748.
Genomic context (GRCh38, chr3:142,562,835, plus strand): 5'-TAAAGTGACTTCAATAAATTCTAAATTTTGCATACTCATCAACTGCAAAGGAGCTGATTG[T>C]AAATATCCCATGTGTTCATCTAATTGACTTAAAAATCGGCTCATGACCACTGGCCATTCC-3'
Protein context (NP_001175.2, residues 179-199): LSQLDEHMGY[Leu189=]QSAPLQLMSM